The following is an entry in ClinVar:

ClinVar aggregate classification (germline): Pathogenic (1 of 4 stars; one submission).

Conditions:
Inborn genetic diseases. Identifiers: MedGen C0950123, MeSH D030342.

Submission:

Ambry Genetics
Classification: Pathogenic for Inborn genetic diseases. Last evaluated: 2022-04-11. Review status: criteria provided, single submitter. Criteria: Ambry Variant Classification Scheme 2023. Collection method: clinical testing. Allele origin: germline.
Comment: The c.653G>A (p.W218*) alteration, located in exon 7 (coding exon 6) of the TBCE gene, consists of a G to A substitution at nucleotide position 653. This changes the amino acid from a tryptophan (W) to a stop codon at amino acid position 218. This alteration is expected to result in loss of function by premature protein truncation or nonsense-mediated mRNA decay. This variant was not reported in population-based cohorts in the Genome Aggregation Database (gnomAD). Based on the available evidence, this alteration is classified as pathogenic.

NM_003193.5(TBCE):c.653G>A (p.Trp218Ter)

Gene: TBCE (tubulin folding cofactor E; plus strand). Cytogenetic location: 1q42.3.
Variant type: single nucleotide variant.
Coding change: c.653G>A on transcript NM_003193.5 (MANE Select); coding-DNA position 653, G replaced by A.
Protein change: p.Trp218Ter; replaces tryptophan 218 with a stop codon.
Molecular consequence: nonsense.
Genome position (GRCh38, 1-based): chr1:235,430,797, G>A. VCF-style: chr1-235430797-G-A. GRCh37 (hg19) VCF-style: chr1-235594112-G-A.
Other names: c.653G>A, p.Trp218Ter (NM_001079515.3, NM_001287801.2); c.314G>A, p.Trp105Ter (NM_001287802.2); short protein forms W105*, W218*.
Identifiers: ClinVar variation 2275948 (VCV002275948.2), dbSNP rs2527012164, ClinGen allele CA344933608.